The following is an entry in ClinVar:

NM_014633.5(CTR9):c.3356A>G (p.Asn1119Ser)

Gene: CTR9 (CTR9 component of Paf1/RNA polymerase II complex; plus strand). Cytogenetic location: 11p15.4.
Variant type: single nucleotide variant.
Coding change: c.3356A>G on transcript NM_014633.5 (MANE Select); coding-DNA position 3356, A replaced by G.
Protein change: p.Asn1119Ser; replaces asparagine 1119 with serine.
Molecular consequence: missense variant.
Genome position (GRCh38, 1-based): chr11:10,778,939, A>G. VCF-style: chr11-10778939-A-G. GRCh37 (hg19) VCF-style: chr11-10800486-A-G.
Other names: c.3284A>G, p.Asn1095Ser (NM_001346279.2); short protein forms N1095S, N1119S.
Identifiers: ClinVar variation 1056706 (VCV001056706.10), dbSNP rs375010070, ClinGen allele CA5885569.

ClinVar aggregate classification (germline): Uncertain significance. Review status: criteria provided, multiple submitters, no conflicts (2 of 4 stars). 2 submissions from 2 submitters: Uncertain significance (2). Last evaluated 2022-02-04.

Allele frequency attached by ClinVar (database versions not stated): gnomAD 0.00001; gnomAD exomes 0.00001 and 0.00002; TOPMed 0.00002; ExAC 0.00003; ESP Exome Variant Server 0.00008.
gnomAD v4.1: 23 of 1,614,078 alleles (0.0014%); highest among the groups gnomAD compares: African/African-American, 0.0027%; no homozygotes.

Submissions (2):

Labcorp Genetics (formerly Invitae), Labcorp
Classification: Uncertain significance. Last evaluated: 2022-02-04. Review status: criteria provided, single submitter. Criteria: Invitae Variant Classification Sherloc (09022015). Collection method: clinical testing. Allele origin: germline.
Comment: This variant has not been reported in the literature in individuals affected with CTR9-related conditions. In summary, the available evidence is currently insufficient to determine the role of this variant in disease. Therefore, it has been classified as a Variant of Uncertain Significance. Algorithms developed to predict the effect of missense changes on protein structure and function (SIFT, PolyPhen-2, Align-GVGD) all suggest that this variant is likely to be tolerated. ClinVar contains an entry for this variant (Variation ID: 1056706). This variant is present in population databases (rs375010070, gnomAD 0.006%). This sequence change replaces asparagine, which is neutral and polar, with serine, which is neutral and polar, at codon 1119 of the CTR9 protein (p.Asn1119Ser).

Breakthrough Genomics
Classification: Uncertain significance. Review status: criteria provided, single submitter. Criteria: ACMG Guidelines, 2015. Collection method: not provided. Allele origin: germline. Inheritance: Unknown mechanism. Affected: yes.